The following is an entry in ClinVar:

NM_138927.4(SON):c.3078_3104del (p.Pro1027_Ser1035del)

Gene: SON (SON DNA and RNA binding protein; plus strand). Cytogenetic location: 21q22.11.
Variant type: Deletion.
Coding change: c.3078_3104del on transcript NM_138927.4 (MANE Select); coding-DNA positions 3078 to 3104, 27 bases deleted (CCCTATGGCTGAACGCTCTATGATGTC).
Protein change: p.Pro1027_Ser1035del.
Molecular consequence: inframe deletion. On other transcripts: inframe indel (3), non-coding transcript variant (1), intron variant (1).
Genome position (GRCh38, 1-based): chr21:33,552,309-33,552,335, CCCTATGGCTGAACGCTCTATGATGTC deleted; deleting any 27 consecutive bases within chr21:33,552,298-33,552,335 gives the same sequence; the c. name uses the placement nearest the transcript's 3' end. VCF-style (leftmost placement, unchanged base first): chr21-33552297-GTCTATGATGTCCCCTATGGCTGAACGC-G. GRCh37 (hg19) VCF-style: chr21-34924603-GTCTATGATGTCCCCTATGGCTGAACGC-G.
Other names: c.3078_3104del, p.Pro1027_Ser1035del (NM_001291411.2, NM_032195.3); c.3078_3104del27, p.Pro1027_Ser1035del (NM_001412133.1, NM_058183.2, NM_138926.1); c.245-4847_245-4821del (NM_001291412.3).
Identifiers: ClinVar variation 1987021 (VCV001987021.4), dbSNP rs1303206364, ClinGen allele CA638053219.

ClinVar aggregate classification (germline): Uncertain significance (1 of 4 stars; one submission).

Submission:

Labcorp Genetics (formerly Invitae), Labcorp
Classification: Uncertain significance. Last evaluated: 2024-12-09. Review status: criteria provided, single submitter. Criteria: Invitae Variant Classification Sherloc (09022015). Collection method: clinical testing. Allele origin: germline.
Comment: This variant, c.3078_3104del, results in the deletion of 9 amino acid(s) of the SON protein (p.Pro1027_Ser1035del), but otherwise preserves the integrity of the reading frame. This variant is present in population databases (no rsID available, gnomAD 0.003%). This variant has not been reported in the literature in individuals affected with SON-related conditions. ClinVar contains an entry for this variant (Variation ID: 1987021). Experimental studies and prediction algorithms are not available or were not evaluated, and the functional significance of this variant is currently unknown. In summary, the available evidence is currently insufficient to determine the role of this variant in disease. Therefore, it has been classified as a Variant of Uncertain Significance.